The following is an entry in ClinVar:

NM_001378457.1(DMXL2):c.4499A>G (p.Gln1500Arg)

Gene: DMXL2 (Dmx like 2; minus strand). Cytogenetic location: 15q21.2.
Variant type: single nucleotide variant.
Coding change: c.4499A>G on transcript NM_001378457.1 (MANE Select); coding-DNA position 4499, A replaced by G.
Protein change: p.Gln1500Arg; replaces glutamine 1500 with arginine.
Molecular consequence: missense variant. On other transcripts: non-coding transcript variant (2), intron variant (2).
Genome position (GRCh38, 1-based): chr15:51,498,725, T>C on the plus strand (A>G on the coding strand, the complement: DMXL2 is on the minus strand). VCF-style: chr15-51498725-T-C. GRCh37 (hg19) VCF-style: chr15-51790922-T-C.
Other names: c.4499A>G, p.Gln1500Arg (NM_001174116.3, NM_001378458.1, NM_001378459.1 and 4 more transcripts); c.4259A>G, p.Gln1420Arg (NM_001378464.1); c.2765-6978A>G (NM_001378460.1); c.2765-3591A>G (NM_001174117.3); short protein forms Q1420R, Q1500R.
Identifiers: ClinVar variation 4808239 (VCV004808239.1).

ClinVar aggregate classification (germline): Uncertain significance (1 of 4 stars; one submission).

Submission:

Labcorp Genetics (formerly Invitae), Labcorp
Classification: Uncertain significance. Last evaluated: 2025-08-18. Review status: criteria provided, single submitter. Criteria: Invitae Variant Classification Sherloc (09022015). Collection method: clinical testing. Allele origin: germline.
Comment: This sequence change replaces glutamine, which is neutral and polar, with arginine, which is basic and polar, at codon 1500 of the DMXL2 protein (p.Gln1500Arg). This variant is not present in population databases (gnomAD no frequency). This variant has not been reported in the literature in individuals affected with DMXL2-related conditions. An algorithm developed to predict the effect of missense changes on protein structure and function (PolyPhen-2) suggests that this variant is likely to be disruptive. In summary, the available evidence is currently insufficient to determine the role of this variant in disease. Therefore, it has been classified as a Variant of Uncertain Significance.